The following is an entry in ClinVar:

ClinVar aggregate classification (germline): Conflicting classifications of pathogenicity. Review status: criteria provided, conflicting classifications (1 of 4 stars). 5 submissions from 5 submitters: Uncertain significance (4); Likely benign (1). Last evaluated 2026-04-07.

Conditions:
MET-related disorder. Also called: MET-related condition.
Renal cell carcinoma. Identifiers: Orphanet 217071, MedGen C0007134, MeSH D002292, MONDO:0005086, HP:0005584.
Autosomal recessive nonsyndromic hearing loss 97. Also called: Deafness, autosomal recessive 97. Identifiers: Orphanet 90636, MedGen C4084709, MONDO:0014739, OMIM 616705.
Hereditary cancer-predisposing syndrome. Also called: Neoplastic Syndromes, Hereditary; Hereditary Cancer Syndrome; Tumor predisposition; Hereditary neoplastic syndrome. Identifiers: Orphanet 140162, MedGen C0027672, MeSH D009386, MONDO:0015356.

Allele frequency attached by ClinVar (database versions not stated): gnomAD 0.00001; TOPMed 0.00001; ExAC 0.00002; gnomAD exomes 0.00002 and 0.00005.
gnomAD v4.1: 74 of 1,614,002 alleles (0.0046%); highest among the groups gnomAD compares: Non-Finnish European, 0.0062%; no homozygotes.

Submissions (5):

PreventionGenetics, part of Exact Sciences
Classification: Uncertain significance for MET-related condition. Last evaluated: 2026-04-07. Review status: criteria provided, single submitter. Criteria: ACMG Guidelines, 2015. Collection method: clinical testing. Allele origin: germline.
Comment: The MET c.821T>C variant is predicted to result in the amino acid substitution p.Phe274Ser. To our knowledge, this variant has not been reported in the literature. This variant is reported in 0.0041% of alleles in individuals of African descent in gnomAD. This variant has conflicting interpretations in ClinVar ranging from likely benign to uncertain significance (Variation ID: 827518). At this time, the clinical significance of this variant is uncertain due to the absence of conclusive functional and genetic evidence.

Labcorp Genetics (formerly Invitae), Labcorp
Classification: Likely benign for Renal cell carcinoma. Last evaluated: 2025-11-10. Review status: criteria provided, single submitter. Criteria: Invitae Variant Classification Sherloc (09022015). Collection method: clinical testing. Allele origin: germline.

Ambry Genetics
Classification: Uncertain significance for Hereditary cancer-predisposing syndrome. Last evaluated: 2024-05-24. Review status: criteria provided, single submitter. Criteria: Ambry Variant Classification Scheme 2023. Collection method: clinical testing. Allele origin: germline.
Comment: The p.F274S variant (also known as c.821T>C), located in coding exon 1 of the MET gene, results from a T to C substitution at nucleotide position 821. The phenylalanine at codon 274 is replaced by serine, an amino acid with highly dissimilar properties. This amino acid position is well conserved in available vertebrate species. In addition, the in silico prediction for this alteration is inconclusive. Based on the available evidence, the clinical significance of this variant remains unclear.

GeneDx
Classification: Uncertain significance. Last evaluated: 2024-04-09. Review status: criteria provided, single submitter. Criteria: GeneDx Variant Classification Process June 2021. Collection method: clinical testing. Allele origin: germline. Affected: yes.
Comment: Not observed at significant frequency in large population cohorts (gnomAD); In silico analysis supports that this missense variant has a deleterious effect on protein structure/function; Has not been previously published as pathogenic or benign to our knowledge

Baylor Genetics
Classification: Uncertain significance for Autosomal recessive nonsyndromic hearing loss 97. Last evaluated: 2024-02-11. Review status: criteria provided, single submitter. Criteria: ACMG Guidelines, 2015. Collection method: clinical testing. Allele origin: unknown.

NM_000245.4(MET):c.821T>C (p.Phe274Ser)

Gene: MET (MET proto-oncogene, receptor tyrosine kinase; plus strand). Cytogenetic location: 7q31.2.
Variant type: single nucleotide variant.
Coding change: c.821T>C on transcript NM_000245.4 (MANE Select); coding-DNA position 821, T replaced by C.
Protein change: p.Phe274Ser; replaces phenylalanine 274 with serine.
Molecular consequence: missense variant. On other transcripts: intron variant (1).
Genome position (GRCh38, 1-based): chr7:116,699,905, T>C. VCF-style: chr7-116699905-T-C. GRCh37 (hg19) VCF-style: chr7-116339959-T-C.
Other names: c.821T>C (NM_001127500.2); c.821T>C, p.Phe274Ser (NM_001127500.3, NM_001324401.3); c.-91+27328T>C (NM_001324402.2); short protein forms F274S.
Identifiers: ClinVar variation 827518 (VCV000827518.18), dbSNP rs758569834, ClinGen allele CA4448035.
Genomic context (GRCh38, chr7:116,699,905, plus strand): 5'-AAAGCAACAATTTTATTTACTTCTTGACGGTCCAAAGGGAAACTCTAGATGCTCAGACTT[T>C]TCACACAAGAATAATCAGGTTCTGTTCCATAAACTCTGGATTGCATTCCTACATGGAAAT-3'
Protein context (NP_000236.2, residues 264-284): VQRETLDAQT[Phe274Ser]HTRIIRFCSI